The following is an entry in ClinVar:

ClinVar aggregate classification (germline): Uncertain significance (1 of 4 stars; one submission).

Conditions:
Intellectual disability, autosomal recessive 42 (NEDDSBA). Also called: GLYCOSYLPHOSPHATIDYLINOSITOL BIOSYNTHESIS DEFECT 9; Neurodevelopmental disorder with dysmorphic features, spasticity, and brain abnormalities. Identifiers: Orphanet 88616, MedGen C4014343, MONDO:0014348, OMIM 615802.

Allele frequency attached by ClinVar (database versions not stated): gnomAD 0.00005; gnomAD exomes 0.00005; ExAC 0.00007; TOPMed 0.00007.
gnomAD v4.1: 70 of 1,478,886 alleles (0.0047%); highest among the groups gnomAD compares: Non-Finnish European, 0.0057%; no homozygotes.

Submission:

Labcorp Genetics (formerly Invitae), Labcorp
Classification: Uncertain significance for Intellectual disability, autosomal recessive 42. Last evaluated: 2022-07-21. Review status: criteria provided, single submitter. Criteria: Invitae Variant Classification Sherloc (09022015). Collection method: clinical testing. Allele origin: germline.
Comment: In summary, the available evidence is currently insufficient to determine the role of this variant in disease. Therefore, it has been classified as a Variant of Uncertain Significance. Variants that disrupt the consensus splice site are a relatively common cause of aberrant splicing (PMID: 17576681, 9536098). Algorithms developed to predict the effect of sequence changes on RNA splicing suggest that this variant may create or strengthen a splice site. This variant has not been reported in the literature in individuals affected with PGAP1-related conditions. This variant is present in population databases (rs762174531, gnomAD 0.008%). This sequence change falls in intron 25 of the PGAP1 gene. It does not directly change the encoded amino acid sequence of the PGAP1 protein. It affects a nucleotide within the consensus splice site.

Literature cited by the submitters: PubMed 17576681; PubMed 9536098.

NM_024989.4(PGAP1):c.2525+4C>T

Gene: PGAP1 (post-GPI attachment to proteins inositol deacylase 1; minus strand). Cytogenetic location: 2q33.1.
Variant type: single nucleotide variant.
Coding change: c.2525+4C>T on transcript NM_024989.4 (MANE Select); 4 bases into the intron after coding-DNA position 2525, C replaced by T.
Molecular consequence: intron variant.
Genome position (GRCh38, 1-based): chr2:196,843,884, G>A on the plus strand (C>T on the coding strand, the complement: PGAP1 is on the minus strand). VCF-style: chr2-196843884-G-A. GRCh37 (hg19) VCF-style: chr2-197708608-G-A.
Other names: c.1358+4C>T (NM_001321100.2); c.2003+4C>T (NM_001321099.2).
Identifiers: ClinVar variation 2087408 (VCV002087408.3), dbSNP rs762174531, ClinGen allele CA2040616.
Genomic context (GRCh38, chr2:196,843,884, plus strand): 5'-GTCTCTACTTAGGGATATTTATTGTTTGAACCACATAAACAATAATTATATCAATAAAAC[G>A]CACCTAAGATTCTTTAGCCAATAAATTAGAGAAGGCATGCTGAGTAATACAATCCATGTT-3'